The following is an entry in ClinVar:

NM_000542.5(SFTPB):c.324dup (p.Met109fs)

Gene: SFTPB (surfactant protein B; minus strand). Cytogenetic location: 2p11.2.
Variant type: Duplication.
Coding change: c.324dup on transcript NM_000542.5 (MANE Select); coding-DNA position 324, one base duplicated (C; older notation c.324dupC).
Protein change: p.Met109fs; shifts the reading frame from methionine 109.
Molecular consequence: frameshift variant.
Genome position (GRCh38, 1-based): chr2:85,666,686, G duplicated on the plus strand (C on the coding strand, the reverse complement: SFTPB is on the minus strand). VCF-style (leftmost placement, unchanged base first): chr2-85666685-T-TG. GRCh37 (hg19) VCF-style: chr2-85893808-T-TG.
Other names: c.324dup, p.Met109Hisfs (NM_001367281.2, NM_198843.4); short protein forms M109fs.
Identifiers: ClinVar variation 2627672 (VCV002627672.1), dbSNP rs2466700282, ClinGen allele CA2586963977.

ClinVar aggregate classification (germline): Likely pathogenic (1 of 4 stars; one submission).

Conditions:
Surfactant metabolism dysfunction, pulmonary, 1. Also called: INTERSTITIAL LUNG DISEASE DUE TO SURFACTANT PROTEIN B DEFICIENCY; INTERSTITIAL LUNG DISEASE, NONSPECIFIC, DUE TO SURFACTANT PROTEIN B DEFICIENCY; PULMONARY ALVEOLAR PROTEINOSIS, CONGENITAL, 1; Pulmonary surfactant protein B, deficiency of; Neonatal acute respiratory distress due to SP-B deficiency. Identifiers: Orphanet 217563, MedGen C1968602, MONDO:0009929, OMIM 265120.

Submission:

Neuberg Centre For Genomic Medicine, NCGM
Classification: Likely pathogenic for Surfactant metabolism dysfunction, pulmonary, 1. Review status: criteria provided, single submitter. Criteria: ACMG Guidelines, 2015. Collection method: clinical testing. Allele origin: germline. Inheritance: Autosomal recessive inheritance. Affected: yes.
Comment: The frameshift duplication p.M109Hfs*9 in SFTPB (NM_198843.3) has not been reported previously as a pathogenic variant nor as a benign variant, to our knowledge. The p.M109Hfs*9 variant is novel (not in any individuals) in gnomAD Exomes and is novel (not in any individuals) in 1000 Genomes. This variant is predicted to cause loss of normal protein function through protein truncation. Loss of function variants have been reported previously to be disease causing. For these reasons, this variant has been classified as Likely Pathogenic.